The following is an entry in ClinVar:

ClinVar aggregate classification (germline): Likely pathogenic. Review status: criteria provided, single submitter (1 of 4 stars). 2 submissions from 2 submitters: Likely pathogenic (1). 1 of the submissions does not count toward it. Last evaluated 2022-11-10.

Conditions:
COL11A1-related disorder. Also called: COL11A1-related condition; COL11A1-related disorders.

Submissions (2):

Revvity Omics, Revvity
Classification: Likely pathogenic. Last evaluated: 2022-11-10. Review status: criteria provided, single submitter. Criteria: ACMG Guidelines, 2015. Collection method: clinical testing. Allele origin: germline.

PreventionGenetics, part of Exact Sciences
Classification: Likely pathogenic for COL11A1-related condition. Last evaluated: 2023-11-29. Review status: no assertion criteria provided. Collection method: clinical testing. Allele origin: germline. Not counted in ClinVar's aggregate classification.
Comment: The COL11A1 c.3438+2T>C variant is predicted to disrupt the GT donor site and interfere with normal splicing. To our knowledge,  this variant has not been reported in the literature or in a large population database, indicating this variant is rare. Variants that disrupt the consensus splice donor site in COL11A1 are expected to be pathogenic. This variant is interpreted as likely pathogenic.

NM_001854.4(COL11A1):c.3438+2T>C

Gene: COL11A1 (collagen type XI alpha 1 chain; minus strand). Cytogenetic location: 1p21.1.
Variant type: single nucleotide variant.
Coding change: c.3438+2T>C on transcript NM_001854.4 (MANE Select); the canonical splice donor site of the intron after coding-DNA position 3438, T replaced by C.
Molecular consequence: splice donor variant.
Genome position (GRCh38, 1-based): chr1:102,939,033, A>G on the plus strand (T>C on the coding strand, the complement: COL11A1 is on the minus strand). VCF-style: chr1-102939033-A-G. GRCh37 (hg19) VCF-style: chr1-103404589-A-G.
Other names: c.3321+2T>C (NM_001190709.2); c.3474+2T>C (NM_080629.3); c.3090+2T>C (NM_080630.4); c.3438+2T>C (NM_001854.3).
Identifiers: ClinVar variation 2439187 (VCV002439187.5), dbSNP rs2101282041, ClinGen allele CA341169061.